The following is an entry in ClinVar:

ClinVar aggregate classification (germline): Benign (1 of 4 stars; one submission).

Allele frequency attached by ClinVar (database versions not stated): 1000 Genomes Project 0.18970; 1000 Genomes Project 30x 0.19597; gnomAD 0.26366 and 0.26651; TOPMed 0.26478.
gnomAD v4.1: 40,081 of 151,850 alleles (26%); highest among the groups gnomAD compares: Admixed American, 38%; 6,156 homozygotes.

Submission:

GeneDx
Classification: Benign. Last evaluated: 2018-06-14. Review status: criteria provided, single submitter. Criteria: GeneDx Variant Classification (06012015). Collection method: clinical testing. Allele origin: germline. Affected: yes.
Comment: This variant is considered likely benign or benign based on one or more of the following criteria: it is a conservative change, it occurs at a poorly conserved position in the protein, it is predicted to be benign by multiple in silico algorithms, and/or has population frequency not consistent with disease.

NM_015631.6(TCTN3):c.970-222G>A

Gene: TCTN3 (tectonic family member 3; minus strand). Cytogenetic location: 10q24.1.
Variant type: single nucleotide variant.
Coding change: c.970-222G>A on transcript NM_015631.6 (MANE Select); 222 bases into the intron before coding-DNA position 970, G replaced by A.
Molecular consequence: intron variant.
Genome position (GRCh38, 1-based): chr10:95,684,846, C>T on the plus strand (G>A on the coding strand, the complement: TCTN3 is on the minus strand). VCF-style: chr10-95684846-C-T. GRCh37 (hg19) VCF-style: chr10-97444603-C-T.
Other names: c.652-1217G>A (NM_001143973.2).
Identifiers: ClinVar variation 670228 (VCV000670228.1), dbSNP rs12357173, ClinGen allele CA15638355.